The following is an entry in ClinVar:

ClinVar aggregate classification (germline): Likely pathogenic (1 of 4 stars; one submission).

Conditions:
Neuropathy, hereditary sensory, type 2C. Also called: KIF1A-Related HSAN2 (HSAN2C); Hereditary sensory and autonomic neuropathy type IIC. Identifiers: Orphanet 970, MedGen C3280168, MONDO:0013634, OMIM 614213.
Hereditary spastic paraplegia 30. Identifiers: Orphanet 101010, MedGen C5235139, MONDO:0012476.
Intellectual disability, autosomal dominant 9 (NESCAVS). Also called: KIF1A-Related Neurodevelopmental Disorder; NESCAV SYNDROME. Identifiers: Orphanet 662367, MedGen C5393830, MONDO:0013656, OMIM 614255.

gnomAD v4.1: 1 of 1,592,116 alleles (0.000063%); highest among the groups gnomAD compares: East Asian, 0.0023%; no homozygotes.

Submission:

Labcorp Genetics (formerly Invitae), Labcorp
Classification: Likely pathogenic for Hereditary spastic paraplegia 30; Neuropathy, hereditary sensory, type 2C; Intellectual disability, autosomal dominant 9. Last evaluated: 2024-12-04. Review status: criteria provided, single submitter. Criteria: Invitae Variant Classification Sherloc (09022015). Collection method: clinical testing. Allele origin: germline.
Comment: This sequence change replaces leucine, which is neutral and non-polar, with methionine, which is neutral and non-polar, at codon 249 of the KIF1A protein (p.Leu249Met). This variant is not present in population databases (gnomAD no frequency). This variant has not been reported in the literature in individuals affected with KIF1A-related conditions. Invitae Evidence Modeling of protein sequence and biophysical properties (such as structural, functional, and spatial information, amino acid conservation, physicochemical variation, residue mobility, and thermodynamic stability) indicates that this missense variant is expected to disrupt KIF1A protein function with a positive predictive value of 95%. This variant disrupts the p.Leu249 amino acid residue in KIF1A. Other variant(s) that disrupt this residue have been observed in individuals with KIF1A-related conditions (PMID: 25265257, 29589274, 38105687), which suggests that this may be a clinically significant amino acid residue. In summary, the currently available evidence indicates that the variant is pathogenic, but additional data are needed to prove that conclusively. Therefore, this variant has been classified as Likely Pathogenic.

Literature cited by the submitters: PubMed 25265257; PubMed 29589274; PubMed 38105687.

NM_001244008.2(KIF1A):c.745C>A (p.Leu249Met)

Gene: KIF1A (kinesin family member 1A; minus strand). Cytogenetic location: 2q37.3.
Variant type: single nucleotide variant.
Coding change: c.745C>A on transcript NM_001244008.2 (MANE Select); coding-DNA position 745, C replaced by A.
Protein change: p.Leu249Met; replaces leucine 249 with methionine.
Molecular consequence: missense variant.
Genome position (GRCh38, 1-based): chr2:240,783,792, G>T on the plus strand (C>A on the coding strand, the complement: KIF1A is on the minus strand). VCF-style: chr2-240783792-G-T. GRCh37 (hg19) VCF-style: chr2-241723209-G-T.
Other names: c.745C>A, p.Leu249Met (NM_001320705.2, NM_001330289.2, NM_001330290.2 and 20 more transcripts); short protein forms L249M.
Identifiers: ClinVar variation 3753714 (VCV003753714.2).